The following is an entry in ClinVar:

NM_005188.4(CBL):c.1199T>C (p.Met400Thr)

Gene: CBL (Cbl proto-oncogene; plus strand). Cytogenetic location: 11q23.3.
Variant type: single nucleotide variant.
Coding change: c.1199T>C on transcript NM_005188.4 (MANE Select); coding-DNA position 1199, T replaced by C.
Protein change: p.Met400Thr; replaces methionine 400 with threonine.
Molecular consequence: missense variant.
Genome position (GRCh38, 1-based): chr11:119,278,269, T>C. VCF-style: chr11-119278269-T-C. GRCh37 (hg19) VCF-style: chr11-119148979-T-C.
Other names: c.1199T>C (NM_005188.3); short protein forms M400T.
Identifiers: ClinVar variation 1385603 (VCV001385603.8), dbSNP rs397507491, ClinGen allele CA382912773.

ClinVar aggregate classification (germline): Uncertain significance. Review status: criteria provided, multiple submitters, no conflicts (2 of 4 stars). 2 submissions from 2 submitters: Uncertain significance (2). Last evaluated 2024-10-21.

Conditions:
CBL-related disorder. Also called: NOONAN SYNDROME-LIKE DISORDER WITHOUT JUVENILE MYELOMONOCYTIC LEUKEMIA; CBL MUTATION-ASSOCIATED SYNDROME; CBL SYNDROME. Identifiers: Orphanet 363972, MedGen C3150803, MONDO:0013308, OMIM 613563.
RASopathy. Also called: rasopathies; Noonan spectrum disorder. Identifiers: Orphanet 536391, MedGen C5555857, MONDO:0021060.

gnomAD v4.1: 1 of 1,614,054 alleles (0.000062%); highest among the groups gnomAD compares: Non-Finnish European, 0.000085%; no homozygotes.

Submissions (2):

Labcorp Genetics (formerly Invitae), Labcorp
Classification: Uncertain significance for RASopathy. Last evaluated: 2024-10-21. Review status: criteria provided, single submitter. Criteria: Invitae Variant Classification Sherloc (09022015). Collection method: clinical testing. Allele origin: germline.
Comment: This sequence change replaces methionine, which is neutral and non-polar, with threonine, which is neutral and polar, at codon 400 of the CBL protein (p.Met400Thr). This variant is not present in population databases (gnomAD no frequency). This missense change has been observed in individual(s) with clinical features of CBL-related conditions (PMID: 37216690). ClinVar contains an entry for this variant (Variation ID: 1385603). Invitae Evidence Modeling of protein sequence and biophysical properties (such as structural, functional, and spatial information, amino acid conservation, physicochemical variation, residue mobility, and thermodynamic stability) indicates that this missense variant is expected to disrupt CBL protein function with a positive predictive value of 95%. In summary, the available evidence is currently insufficient to determine the role of this variant in disease. Therefore, it has been classified as a Variant of Uncertain Significance.

PreventionGenetics, part of Exact Sciences
Classification: Uncertain significance for CBL-related condition. Last evaluated: 2023-05-10. Review status: criteria provided, single submitter. Criteria: ACMG Guidelines, 2015. Collection method: clinical testing. Allele origin: germline.
Comment: The CBL c.1199T>C variant is predicted to result in the amino acid substitution p.Met400Thr. To our knowledge, this variant has not been reported in the literature or in a large population database, indicating this variant is rare. At this time, the clinical significance of this variant is uncertain due to the absence of conclusive functional and genetic evidence.

Literature cited by the submitters: PubMed 37216690 (cited by Labcorp Genetics (formerly Invitae), Labcorp).